The following is an entry in ClinVar:

NM_001369.3(DNAH5):c.635dup (p.Ala213fs)

Gene: DNAH5 (dynein axonemal heavy chain 5; minus strand). Cytogenetic location: 5p15.2.
Variant type: Duplication.
Coding change: c.635dup on transcript NM_001369.3 (MANE Select); coding-DNA position 635, one base duplicated (G; older notation c.635dupG).
Protein change: p.Ala213fs; shifts the reading frame from alanine 213.
Molecular consequence: frameshift variant.
Genome position (GRCh38, 1-based): chr5:13,922,132, C duplicated on the plus strand (G on the coding strand, the reverse complement: DNAH5 is on the minus strand); the first of 3 consecutive C bases (chr5:13,922,132-13,922,134); duplicating any one gives the same sequence. VCF-style (leftmost placement, unchanged base first): chr5-13922131-A-AC. GRCh37 (hg19) VCF-style: chr5-13922240-A-AC.
Other names: short protein forms A213fs.
Identifiers: ClinVar variation 5011871 (VCV005011871.1).

ClinVar aggregate classification (germline): Pathogenic (1 of 4 stars; one submission).

Conditions:
Primary ciliary dyskinesia 3. Identifiers: Orphanet 244, MedGen C1837618, MONDO:0012085, OMIM 608644.

Submission:

Myriad Genetics, Inc.
Classification: Pathogenic for Primary ciliary dyskinesia 3. Last evaluated: 2023-09-27. Review status: criteria provided, single submitter. Criteria: Myriad Autosomal Dominant, Autosomal Recessive and X-Linked Classification Criteria (2023). Collection method: clinical testing. Allele origin: unknown.
Comment: NM_001369.2(DNAH5):c.635dupG(A213Cfs*15) is expected to be pathogenic in the context of primary ciliary dyskinesia, DNAH5-related. This variant is predicted to lead to an abnormal or absent protein product due to the creation of a premature termination codon in DNAH5, a gene where loss-of-function variants are known to be pathogenic. Please note: this variant was assessed in the context of healthy population screening.